The following is an entry in ClinVar:

NM_000057.4(BLM):c.886T>C (p.Tyr296His)

Gene: BLM (BLM RecQ like helicase; plus strand). Cytogenetic location: 15q26.1.
Variant type: single nucleotide variant.
Coding change: c.886T>C on transcript NM_000057.4 (MANE Select); coding-DNA position 886, T replaced by C.
Protein change: p.Tyr296His; replaces tyrosine 296 with histidine.
Molecular consequence: missense variant. On other transcripts: 5 prime UTR variant (1).
Genome position (GRCh38, 1-based): chr15:90,751,873, T>C. VCF-style: chr15-90751873-T-C. GRCh37 (hg19) VCF-style: chr15-91295103-T-C.
Other names: c.886T>C, p.Tyr296His (NM_001287246.2, NM_001287247.2); c.-406T>C (NM_001287248.2); short protein forms Y296H.
Identifiers: ClinVar variation 1060445 (VCV001060445.9), dbSNP rs1596221177, ClinGen allele CA393841810.
Genomic context (GRCh38, chr15:90,751,873, plus strand): 5'-GAAGAAGCTGAATTACATTCAACTGAGAAAGTTCCATGTATTGAATTTGATGATGATGAT[T>C]ATGATACGGATTTTGTTCCACCTTCTCCAGAAGAAATTATTTCTGCTTCTTCTTCCTCTT-3'
Protein context (NP_000048.1, residues 286-306): VPCIEFDDDD[Tyr296His]DTDFVPPSPE

ClinVar aggregate classification (germline): Uncertain significance (1 of 4 stars; one submission).

Conditions:
Bloom syndrome (BLM). Also called: Bloom-Torre-Machacek syndrome. Identifiers: Orphanet 125, MedGen C0005859, MONDO:0008876, OMIM 210900.

Submission:

Labcorp Genetics (formerly Invitae), Labcorp
Classification: Uncertain significance for Bloom syndrome. Last evaluated: 2023-12-09. Review status: criteria provided, single submitter. Criteria: Invitae Variant Classification Sherloc (09022015). Collection method: clinical testing. Allele origin: germline.
Comment: This sequence change replaces tyrosine, which is neutral and polar, with histidine, which is basic and polar, at codon 296 of the BLM protein (p.Tyr296His). This variant is not present in population databases (gnomAD no frequency). This variant has not been reported in the literature in individuals affected with BLM-related conditions. ClinVar contains an entry for this variant (Variation ID: 1060445). Advanced modeling of protein sequence and biophysical properties (such as structural, functional, and spatial information, amino acid conservation, physicochemical variation, residue mobility, and thermodynamic stability) performed at Invitae indicates that this missense variant is not expected to disrupt BLM protein function with a negative predictive value of 80%. In summary, the available evidence is currently insufficient to determine the role of this variant in disease. Therefore, it has been classified as a Variant of Uncertain Significance.